The following is an entry in ClinVar:

ClinVar aggregate classification (germline): Uncertain significance (1 of 4 stars; one submission).

Submission:

GeneDx
Classification: Uncertain significance. Last evaluated: 2020-02-16. Review status: criteria provided, single submitter. Criteria: GeneDx Variant Classification Process June 2021. Collection method: clinical testing. Allele origin: germline. Affected: yes.
Comment: Not observed in large population cohorts (Lek et al., 2016); In silico analysis supports that this missense variant does not alter protein structure/function; Has not been previously published as pathogenic or benign to our knowledge

NM_014339.7(IL17RA):c.340T>A (p.Leu114Ile)

Gene: IL17RA (interleukin 17 receptor A; plus strand). Cytogenetic location: 22q11.1.
Variant type: single nucleotide variant.
Coding change: c.340T>A on transcript NM_014339.7 (MANE Select); coding-DNA position 340, T replaced by A.
Protein change: p.Leu114Ile; replaces leucine 114 with isoleucine.
Molecular consequence: missense variant.
Genome position (GRCh38, 1-based): chr22:17,098,804, T>A. VCF-style: chr22-17098804-T-A. GRCh37 (hg19) VCF-style: chr22-17579694-T-A.
Other names: c.340T>A, p.Leu114Ile (NM_001289905.2); short protein forms L114I.
Identifiers: ClinVar variation 1315277 (VCV001315277.2), dbSNP rs2123799032, ClinGen allele CA410211312.